The following is an entry in ClinVar:

NM_052947.4(ALPK2):c.1823C>T (p.Ala608Val)

Gene: ALPK2 (alpha kinase 2; minus strand). Cytogenetic location: 18q21.31.
Variant type: single nucleotide variant.
Coding change: c.1823C>T on transcript NM_052947.4 (MANE Select); coding-DNA position 1823, C replaced by T.
Protein change: p.Ala608Val; replaces alanine 608 with valine.
Molecular consequence: missense variant.
Genome position (GRCh38, 1-based): chr18:58,578,953, G>A on the plus strand (C>T on the coding strand, the complement: ALPK2 is on the minus strand). VCF-style: chr18-58578953-G-A. GRCh37 (hg19) VCF-style: chr18-56246185-G-A.
Other names: short protein forms A608V.
Identifiers: ClinVar variation 1780795 (VCV001780795.2), dbSNP rs747850426, ClinGen allele CA8977185.

ClinVar aggregate classification (germline): Uncertain significance (1 of 4 stars; one submission).

Allele frequency attached by ClinVar (database versions not stated): TOPMed below 0.00001; ExAC 0.00001; gnomAD 0.00001.
gnomAD v4.1: 5 of 1,614,072 alleles (0.00031%); highest among the groups gnomAD compares: Non-Finnish European, 0.00042%; no homozygotes.

Submission:

Ambry Genetics
Classification: Uncertain significance. Last evaluated: 2023-11-18. Review status: criteria provided, single submitter. Criteria: Ambry Variant Classification Scheme 2023. Collection method: clinical testing. Allele origin: germline.
Comment: The p.A608V variant (also known as c.1823C>T), located in coding exon 3 of the ALPK2 gene, results from a C to T substitution at nucleotide position 1823. The alanine at codon 608 is replaced by valine, an amino acid with similar properties. This amino acid position is conserved. In addition, this alteration is predicted to be tolerated by in silico analysis. Since supporting evidence is limited at this time, the clinical significance of this alteration remains unclear.